The following is an entry in ClinVar:

ClinVar aggregate classification (germline): Uncertain significance (1 of 4 stars; one submission).

Allele frequency attached by ClinVar (database versions not stated): gnomAD exomes 0.00001 and 0.00002; ExAC 0.00003.

Submission:

Labcorp Genetics (formerly Invitae), Labcorp
Classification: Uncertain significance. Last evaluated: 2025-12-11. Review status: criteria provided, single submitter. Criteria: Invitae Variant Classification Sherloc (09022015). Collection method: clinical testing. Allele origin: germline.
Comment: This sequence change replaces valine, which is neutral and non-polar, with alanine, which is neutral and non-polar, at codon 224 of the GORAB protein (p.Val224Ala). This variant is present in population databases (rs764819857, gnomAD 0.04%). This variant has not been reported in the literature in individuals affected with GORAB-related conditions. ClinVar contains an entry for this variant (Variation ID: 1348477). An algorithm developed to predict the effect of missense changes on protein structure and function (PolyPhen-2) suggests that this variant is likely to be disruptive. In summary, the available evidence is currently insufficient to determine the role of this variant in disease. Therefore, it has been classified as a Variant of Uncertain Significance.

NM_152281.3(GORAB):c.596T>C (p.Val199Ala)

Gene: GORAB (golgin, RAB6 interacting; plus strand). Cytogenetic location: 1q24.2.
Variant type: single nucleotide variant.
Coding change: c.596T>C on transcript NM_152281.3 (MANE Select); coding-DNA position 596, T replaced by C.
Protein change: p.Val199Ala; replaces valine 199 with alanine.
Molecular consequence: missense variant. On other transcripts: non-coding transcript variant (1).
Genome position (GRCh38, 1-based): chr1:170,544,779, T>C. VCF-style: chr1-170544779-T-C. GRCh37 (hg19) VCF-style: chr1-170513920-T-C.
Other names: c.596T>C, p.Val199Ala (NM_001146039.2); c.131T>C, p.Val44Ala (NM_001320252.2); short protein forms V44A, V199A.
Identifiers: ClinVar variation 1348477 (VCV001348477.6), dbSNP rs764819857, ClinGen allele CA1239181.